The following is an entry in ClinVar:

NM_004815.4(ARHGAP29):c.62_63del (p.Ser21fs)

Gene: ARHGAP29 (Rho GTPase activating protein 29; minus strand). Cytogenetic location: 1p22.1.
Variant type: Microsatellite.
Coding change: c.62_63del on transcript NM_004815.4 (MANE Select); coding-DNA positions 62 to 63, 2 bases deleted (CT; older notation c.62_63delCT).
Protein change: p.Ser21fs; shifts the reading frame from serine 21.
Molecular consequence: frameshift variant. On other transcripts: intron variant (2).
Genome position (GRCh38, 1-based): chr1:94,231,549-94,231,550, AG deleted on the plus strand (CT on the coding strand, the reverse complement: ARHGAP29 is on the minus strand); deleting any 2 consecutive bases within chr1:94,231,549-94,231,554 gives the same sequence; the c. name uses the placement nearest the transcript's 3' end. VCF-style (leftmost placement, unchanged base first): chr1-94231548-TAG-T. GRCh37 (hg19) VCF-style: chr1-94697104-TAG-T.
Other names: c.62_63del, p.Ser21fs (NM_001328664.2, NM_001328666.2); c.14-11162CT[2] (NM_001328665.2); c.13+5861CT[2] (NM_001328667.2); c.62_63delCT (NM_004815.4); short protein forms S21fs.
Identifiers: ClinVar variation 1805861 (VCV001805861.3), dbSNP rs779178615, ClinGen allele CA959926.

ClinVar aggregate classification (germline): Conflicting classifications of pathogenicity. Review status: criteria provided, conflicting classifications (1 of 4 stars). 2 submissions from 2 submitters: Likely pathogenic (1); Uncertain significance (1). Last evaluated 2024-07-30.

Conditions:
ARHGAP29-related disorder. Also called: ARHGAP29-related condition; ARHGAP29-Related Disorders.
Cleft palate. Identifiers: Orphanet 2014, MedGen C2981150, MONDO:0016064, HP:0000175.

Submissions (2):

Women's Health and Genetics/Laboratory Corporation of America, LabCorp
Classification: Likely pathogenic for ARHGAP29-Related Disorders. Last evaluated: 2024-07-30. Review status: criteria provided, single submitter. Criteria: LabCorp Variant Classification Summary - May 2015. Collection method: clinical testing. Allele origin: germline.
Comment: Variant summary: ARHGAP29 c.62_63delCT (p.Ser21TyrfsX2) results in a premature termination codon, predicted to cause absence of the protein due to nonsense mediated decay, which is a commonly known mechanism for disease. The variant allele was found at a frequency of 6e-05 in 251310 control chromosomes. Due to the incomplete penetrance reported for variants in this gene, this frequency does not allow conclusions about variant significance. c.62_63delCT has been reported in the literature in at-least one individual affected with bilateral cleft lip and palate and was also found in the unaffected sibling (Leslie_2012). These data do not allow any conclusion about variant significance. To our knowledge, no experimental evidence demonstrating an impact on protein function has been reported. The following publication has been ascertained in the context of this evaluation (PMID: 23008150). ClinVar contains an entry for this variant (Variation ID: 1805861). Based on the evidence outlined above, the variant was classified as likely pathogenic.

Victorian Clinical Genetics Services, Murdoch Childrens Research Institute
Classification: Uncertain significance for Cleft palate. Last evaluated: 2023-07-17. Review status: criteria provided, single submitter. Criteria: ACMG Guidelines, 2015. Collection method: clinical testing. Allele origin: germline. Inheritance: Autosomal dominant inheritance. Affected: yes.
Comment: Based on the classification scheme VCGS_Germline_v1.3.4, this variant is classified as VUS-3A. Following criteria are met: 0102 - Loss of function is a known mechanism of disease in this gene and is associated with non-syndromic cleft lip with or without cleft palate (NSCL/P) (PMID: 27350171). (I) 0107 - This gene is associated with autosomal dominant disease. (I) 0112 - The condition associated with this gene has incomplete penetrance. Penetrance was estimated as 59% (PMID: 27350171). (I) 0204 - Variant is predicted to result in a truncated protein (premature termination codon is located within the first 102 nucleotides of the coding sequence and is predicted to escape nonsense-mediated decay). (SP) 0251 - This variant is heterozygous. (I) 0302 - Variant is present in gnomAD (v2, v3) <0.001 for a dominant condition (19 heterozygotes, 0 homozygotes). (SP) 0704 - Another 5’ NMD escape variant comparable to the one identified in this case has limited previous evidence for pathogenicity. This variant (p.(Lys32*)) has been reported in a single individual with nonsyndromic cleft lip (PMID: 25512736). (SP) 0803 - This variant has limited previous evidence of pathogenicity in an unrelated individual. The variant has been reported in an individual with NSCL/P as well as the unaffected sibling (PMID: 23008150). (SP) 1007 - No published functional evidence has been identified for this variant. (I) Legend: (SP) - Supporting pathogenic, (I) - Information, (SB) - Supporting benign

Literature cited by the submitters: PubMed 23008150 (cited by Women's Health and Genetics/Laboratory Corporation of America, LabCorp and Victorian Clinical Genetics Services, Murdoch Childrens Research Institute); PubMed 25512736 (cited by Victorian Clinical Genetics Services, Murdoch Childrens Research Institute); PubMed 27350171 (cited by Victorian Clinical Genetics Services, Murdoch Childrens Research Institute).